The following is an entry in ClinVar:

ClinVar aggregate classification (germline): Uncertain significance. Review status: criteria provided, multiple submitters, no conflicts (2 of 4 stars). 3 submissions from 3 submitters: Uncertain significance (3). Last evaluated 2025-04-11.

Conditions:
Primary dilated cardiomyopathy (DCM). Also called: Dilated Cardiomyopathy. Identifiers: Orphanet 217604, MedGen C0007193, MeSH D002311, MONDO:0005021, HP:0001644. Inheritance: Various modes of inheritance.

Allele frequency attached by ClinVar (database versions not stated): ExAC 0.00001; gnomAD 0.00001; gnomAD exomes 0.00001.
gnomAD v4.1: 16 of 1,608,576 alleles (0.00099%); highest among the groups gnomAD compares: Non-Finnish European, 0.0012%; no homozygotes.

Submissions (3):

Women's Health and Genetics/Laboratory Corporation of America, LabCorp
Classification: Uncertain significance. Last evaluated: 2025-04-11. Review status: criteria provided, single submitter. Criteria: LabCorp Variant Classification Summary - May 2015. Collection method: clinical testing. Allele origin: germline.

Labcorp Genetics (formerly Invitae), Labcorp
Classification: Uncertain significance for Primary dilated cardiomyopathy. Last evaluated: 2024-06-17. Review status: criteria provided, single submitter. Criteria: Invitae Variant Classification Sherloc (09022015). Collection method: clinical testing. Allele origin: germline.
Comment: This sequence change replaces histidine, which is basic and polar, with leucine, which is neutral and non-polar, at codon 772 of the NEBL protein (p.His772Leu). The frequency data for this variant in the population databases is considered unreliable, as metrics indicate poor data quality at this position in the gnomAD database. This variant has not been reported in the literature in individuals affected with NEBL-related conditions. ClinVar contains an entry for this variant (Variation ID: 2448883). An algorithm developed to predict the effect of missense changes on protein structure and function (PolyPhen-2) suggests that this variant is likely to be tolerated. In summary, the available evidence is currently insufficient to determine the role of this variant in disease. Therefore, it has been classified as a Variant of Uncertain Significance.

Ambry Genetics
Classification: Uncertain significance. Last evaluated: 2023-01-18. Review status: criteria provided, single submitter. Criteria: Ambry Variant Classification Scheme 2023. Collection method: clinical testing. Allele origin: germline.
Comment: The p.H772L variant (also known as c.2315A>T), located in coding exon 23 of the NEBL gene, results from an A to T substitution at nucleotide position 2315. The histidine at codon 772 is replaced by leucine, an amino acid with similar properties. This amino acid position is conserved. In addition, this alteration is predicted to be tolerated by in silico analysis. Since supporting evidence is limited at this time, the clinical significance of this alteration remains unclear.

NM_006393.3(NEBL):c.2315A>T (p.His772Leu)

Gene: NEBL (nebulette; minus strand). Cytogenetic location: 10p12.31.
Variant type: single nucleotide variant.
Coding change: c.2315A>T on transcript NM_006393.3 (MANE Select); coding-DNA position 2315, A replaced by T.
Protein change: p.His772Leu; replaces histidine 772 with leucine.
Molecular consequence: missense variant. On other transcripts: intron variant (9).
Genome position (GRCh38, 1-based): chr10:20,813,970, T>A on the plus strand (A>T on the coding strand, the complement: NEBL is on the minus strand). VCF-style: chr10-20813970-T-A. GRCh37 (hg19) VCF-style: chr10-21102899-T-A.
Other names: c.250-1030A>T (NM_001377326.1, NM_001377327.1, NM_001377328.1); c.358-1030A>T (NM_213569.2, NM_001173484.2, NM_001377322.1); c.301-1030A>T (NM_001377324.1); c.292-1030A>T (NM_001377325.1); c.310-1030A>T (NM_001377323.1); short protein forms H772L.
Identifiers: ClinVar variation 2448883 (VCV002448883.7), dbSNP rs770946136, ClinGen allele CA5432528.